The following is an entry in ClinVar:

NM_000038.6(APC):c.8242G>A (p.Val2748Ile)

Gene: APC (APC regulator of Wnt signaling pathway; plus strand). Cytogenetic location: 5q22.2.
Variant type: single nucleotide variant.
Coding change: c.8242G>A on transcript NM_000038.6 (MANE Select); coding-DNA position 8242, G replaced by A.
Protein change: p.Val2748Ile; replaces valine 2748 with isoleucine.
Molecular consequence: missense variant.
Genome position (GRCh38, 1-based): chr5:112,843,836, G>A. VCF-style: chr5-112843836-G-A. GRCh37 (hg19) VCF-style: chr5-112179533-G-A.
Other names: c.8242G>A, p.Val2748Ile (NM_001127510.3, NM_001354895.2, NM_001407450.1); c.8188G>A, p.Val2730Ile (NM_001127511.3); c.8296G>A, p.Val2766Ile (NM_001354896.2, NM_001407447.1, NM_001407448.1 and 1 more transcripts); c.8272G>A, p.Val2758Ile (NM_001354897.2); c.8167G>A, p.Val2723Ile (NM_001354898.2); c.8158G>A, p.Val2720Ile (NM_001354899.2); c.8119G>A, p.Val2707Ile (NM_001354900.2); c.8065G>A, p.Val2689Ile (NM_001354901.2, NM_001407453.1); and 12 more; short protein forms V2364I, V2465I, V2588I, V2619I, V2622I, V2647I, V2657I, V2665I.
Identifiers: ClinVar variation 1722068 (VCV001722068.7), dbSNP rs2150001686, ClinGen allele CA16039216.

ClinVar aggregate classification (germline): Uncertain significance. Review status: criteria provided, multiple submitters, no conflicts (2 of 4 stars). 2 submissions from 2 submitters: Uncertain significance (2). Last evaluated 2026-06-14.

Conditions:
Hereditary cancer-predisposing syndrome. Also called: Hereditary Cancer Syndrome; Neoplastic Syndromes, Hereditary; Hereditary neoplastic syndrome; Tumor predisposition. Identifiers: Orphanet 140162, MedGen C0027672, MeSH D009386, MONDO:0015356.
Familial adenomatous polyposis 1 (FAP1). Also called: FAMILIAL ADENOMATOUS POLYPOSIS 1, ATTENUATED; POLYPOSIS, ADENOMATOUS INTESTINAL. Identifiers: MedGen C2713442, MONDO:0021056, OMIM 175100. Disease mechanism: loss of function.

Submissions (2):

Ambry Genetics
Classification: Uncertain significance for Hereditary cancer-predisposing syndrome. Last evaluated: 2026-06-14. Review status: criteria provided, single submitter. Criteria: Ambry Variant Classification Scheme 2023. Collection method: clinical testing. Allele origin: germline.
Comment: The p.V2748I variant (also known as c.8242G>A), located in coding exon 15 of the APC gene, results from a G to A substitution at nucleotide position 8242. The valine at codon 2748 is replaced by isoleucine, an amino acid with highly similar properties. This amino acid position is conserved. In addition, in silico predictors for this gene do not accurately predict pathogenicity. Based on the available evidence, the clinical significance of this variant remains unclear.

Labcorp Genetics (formerly Invitae), Labcorp
Classification: Uncertain significance for Familial adenomatous polyposis 1. Last evaluated: 2022-10-23. Review status: criteria provided, single submitter. Criteria: Invitae Variant Classification Sherloc (09022015). Collection method: clinical testing. Allele origin: germline.
Comment: In summary, the available evidence is currently insufficient to determine the role of this variant in disease. Therefore, it has been classified as a Variant of Uncertain Significance. Advanced modeling of protein sequence and biophysical properties (such as structural, functional, and spatial information, amino acid conservation, physicochemical variation, residue mobility, and thermodynamic stability) performed at Invitae indicates that this missense variant is not expected to disrupt APC protein function. This variant has not been reported in the literature in individuals affected with APC-related conditions. This variant is not present in population databases (gnomAD no frequency). This sequence change replaces valine, which is neutral and non-polar, with isoleucine, which is neutral and non-polar, at codon 2748 of the APC protein (p.Val2748Ile).